The following is an entry in ClinVar:

NM_015102.5(NPHP4):c.3644+1G>T

Gene: NPHP4 (nephrocystin 4; minus strand). Cytogenetic location: 1p36.31.
Variant type: single nucleotide variant.
Coding change: c.3644+1G>T on transcript NM_015102.5 (MANE Select); the canonical splice donor site of the intron after coding-DNA position 3644, G replaced by T.
Molecular consequence: splice donor variant.
Genome position (GRCh38, 1-based): chr1:5,866,372, C>A on the plus strand (G>T on the coding strand, the complement: NPHP4 is on the minus strand). VCF-style: chr1-5866372-C-A. GRCh37 (hg19) VCF-style: chr1-5926432-C-A.
Other names: c.2108+1G>T (NM_001291594.2); c.2105+1G>T (NM_001291593.2).
Identifiers: ClinVar variation 1179132 (VCV001179132.9), dbSNP rs756111113, ClinGen allele CA553528.

ClinVar aggregate classification (germline): Pathogenic/Likely pathogenic. Review status: criteria provided, multiple submitters, no conflicts (2 of 4 stars). 3 submissions from 3 submitters: Pathogenic (1); Likely pathogenic (2). Last evaluated 2024-10-10.

Conditions:
NPHP4-related disorder. Also called: NPHP4-related condition; NPHP4-related disorders. Identifiers: MedGen CN239384.
Nephronophthisis. Also called: Juvenile Nephronophthisis. Identifiers: Orphanet 655, MedGen C0687120, MONDO:0019005, HP:0000090.
Senior-Loken syndrome 4 (SLSN4). Identifiers: Orphanet 3156, MedGen C1846979, MONDO:0011756, OMIM 606996.
Nephronophthisis 4 (NPHP4). Also called: NEPHRONOPHTHISIS 4, JUVENILE. Identifiers: Orphanet 655, MedGen C1847013, MONDO:0011752, OMIM 606966.

Allele frequency attached by ClinVar (database versions not stated): ExAC 0.00002.
gnomAD v4.1: 7 of 1,596,392 alleles (0.00044%); highest among the groups gnomAD compares: Non-Finnish European, 0.00051%; no homozygotes.

Submissions (3):

PreventionGenetics, part of Exact Sciences
Classification: Likely pathogenic for NPHP4-related condition. Last evaluated: 2024-10-10. Review status: criteria provided, single submitter. Criteria: ACMG Guidelines, 2015. Collection method: clinical testing. Allele origin: germline.
Comment: The NPHP4 c.3644+1G>T variant is predicted to disrupt the GT donor site and interfere with normal splicing. This variant has been reported in the compound heterozygous state in and individual with autosomal recessive nephronophthisis-related ciliopathy (Halbritter et al. 2013. PubMed ID: 23559409). This variant is absent from a large population database. Variants that disrupt the consensus splice donor site in NPHP4 are expected to be pathogenic. This variant is interpreted as likely pathogenic.

Labcorp Genetics (formerly Invitae), Labcorp
Classification: Likely pathogenic for Nephronophthisis. Last evaluated: 2022-03-09. Review status: criteria provided, single submitter. Criteria: Invitae Variant Classification Sherloc (09022015). Collection method: clinical testing. Allele origin: germline.
Comment: In summary, the currently available evidence indicates that the variant is pathogenic, but additional data are needed to prove that conclusively. Therefore, this variant has been classified as Likely Pathogenic. Algorithms developed to predict the effect of sequence changes on RNA splicing suggest that this variant may disrupt the consensus splice site. ClinVar contains an entry for this variant (Variation ID: 1179132). Disruption of this splice site has been observed in individual(s) with nephronophthisis (PMID: 23559409). This variant is not present in population databases (gnomAD no frequency). This sequence change affects a donor splice site in intron 26 of the NPHP4 gene. It is expected to disrupt RNA splicing. Variants that disrupt the donor or acceptor splice site typically lead to a loss of protein function (PMID: 16199547), and loss-of-function variants in NPHP4 are known to be pathogenic (PMID: 12205563, 23559409).

Fulgent Genetics
Classification: Pathogenic for Nephronophthisis 4; Senior-Loken syndrome 4. Last evaluated: 2021-06-30. Review status: criteria provided, single submitter. Criteria: ACMG Guidelines, 2015. Collection method: clinical testing. Allele origin: unknown.
Comment: This variant has been detected in individual(s) who were sent for testing of Renasight - kidney gene panel.

Literature cited by the submitters: PubMed 23559409 (cited by Labcorp Genetics (formerly Invitae), Labcorp); PubMed 16199547 (cited by Labcorp Genetics (formerly Invitae), Labcorp); PubMed 12205563 (cited by Labcorp Genetics (formerly Invitae), Labcorp).